The following is an entry in ClinVar:

ClinVar aggregate classification (germline): Benign/Likely benign. Review status: criteria provided, multiple submitters, no conflicts (2 of 4 stars). 3 submissions from 3 submitters: Benign (1); Likely benign (2). Last evaluated 2026-04-20.

Conditions:
Hereditary cancer-predisposing syndrome. Also called: Hereditary neoplastic syndrome; Neoplastic Syndromes, Hereditary; Hereditary Cancer Syndrome; Tumor predisposition. Identifiers: Orphanet 140162, MedGen C0027672, MeSH D009386, MONDO:0015356.
DICER1-related tumor predisposition. Also called: DICER1-related pleuropulmonary blastoma cancer predisposition syndrome; DICER1 syndrome. Identifiers: Orphanet 284343, MedGen C3839822, MONDO:0100216.

Allele frequency attached by ClinVar (database versions not stated): gnomAD exomes 0.00001.
gnomAD v4.1: 8 of 1,614,196 alleles (0.0005%); highest among the groups gnomAD compares: Non-Finnish European, 0.00068%; no homozygotes.

Submissions (3):

Myriad Genetics, Inc.
Classification: Benign for DICER1-related tumor predisposition. Last evaluated: 2026-04-20. Review status: criteria provided, single submitter. Criteria: Myriad Autosomal Dominant, Autosomal Recessive and X-Linked Classification Criteria (2023). Collection method: clinical testing. Allele origin: unknown.
Comment: This variant is considered benign. This variant is a silent/synonymous amino acid change and it is not expected to impact splicing.

Labcorp Genetics (formerly Invitae), Labcorp
Classification: Likely benign for DICER1-related tumor predisposition. Last evaluated: 2025-02-23. Review status: criteria provided, single submitter. Criteria: Invitae Variant Classification Sherloc (09022015). Collection method: clinical testing. Allele origin: germline.

Ambry Genetics
Classification: Likely benign for Hereditary cancer-predisposing syndrome. Last evaluated: 2017-04-19. Review status: criteria provided, single submitter. Criteria: Ambry Variant Classification Scheme 2023. Collection method: clinical testing. Allele origin: germline.

NM_177438.3(DICER1):c.4602C>T (p.Asn1534=)

Gene: DICER1 (dicer 1, ribonuclease III; minus strand). Cytogenetic location: 14q32.13.
Variant type: single nucleotide variant.
Coding change: c.4602C>T on transcript NM_177438.3 (MANE Select); coding-DNA position 4602, C replaced by T.
Protein change: p.Asn1534=; no amino-acid change (asparagine 1534 retained).
Molecular consequence: synonymous variant.
Genome position (GRCh38, 1-based): chr14:95,096,318, G>A on the plus strand (C>T on the coding strand, the complement: DICER1 is on the minus strand). VCF-style: chr14-95096318-G-A. GRCh37 (hg19) VCF-style: chr14-95562655-G-A.
Other names: c.4602C>T, p.Asn1534= (NM_001195573.1, NM_001271282.3, NM_001291628.2 and 1 more transcripts).
Identifiers: ClinVar variation 479639 (VCV000479639.18), dbSNP rs1555367730, ClinGen allele CA487843858.